The following is an entry in ClinVar:

NM_001370466.1(NOD2):c.438G>A (p.Pro146=)

Gene: NOD2 (nucleotide binding oligomerization domain containing 2; plus strand). Cytogenetic location: 16q12.1.
Variant type: single nucleotide variant.
Coding change: c.438G>A on transcript NM_001370466.1 (MANE Select); coding-DNA position 438, G replaced by A.
Protein change: p.Pro146=; no amino-acid change (proline 146 retained).
Molecular consequence: synonymous variant. On other transcripts: non-coding transcript variant (1).
Genome position (GRCh38, 1-based): chr16:50,699,933, G>A. VCF-style: chr16-50699933-G-A. GRCh37 (hg19) VCF-style: chr16-50733844-G-A.
Other names: c.438G>A, p.Pro146= (NM_001293557.2); c.519G>A, p.Pro173= (NM_022162.3).
Identifiers: ClinVar variation 1085955 (VCV001085955.48), dbSNP rs77153279, ClinGen allele CA8051296.

ClinVar aggregate classification (germline): Likely benign. Review status: criteria provided, multiple submitters, no conflicts (2 of 4 stars). 2 submissions from 2 submitters: Likely benign (2). Last evaluated 2026-07-01.

Conditions:
Blau syndrome (BLAUS). Also called: ARTHROCUTANEOUVEAL GRANULOMATOSIS; GRANULOMATOSIS, FAMILIAL JUVENILE SYSTEMIC; GRANULOMATOSIS, FAMILIAL, BLAU TYPE; GRANULOMATOUS INFLAMMATORY ARTHRITIS, DERMATITIS, AND UVEITIS, FAMILIAL; JABS SYNDROME. Identifiers: Orphanet 90340, MedGen C5201146, MONDO:0008523, OMIM 186580.
Regional enteritis. Also called: Enteritis, Granulomatous. Identifiers: MedGen C0678202, MeSH D003424.

Allele frequency attached by ClinVar (database versions not stated): gnomAD 0.00001; ExAC 0.00002; gnomAD exomes 0.00002.
gnomAD v4.1: 28 of 1,608,768 alleles (0.0017%); highest among the groups gnomAD compares: South Asian, 0.016%; no homozygotes.

Submissions (2):

CeGaT Center for Human Genetics Tuebingen
Classification: Likely benign. Last evaluated: 2026-07-01. Review status: criteria provided, single submitter. Criteria: CeGaT Center For Human Genetics Tuebingen Variant Classification Criteria Version 2. Collection method: clinical testing. Allele origin: germline. Affected: yes. Observed: 1 variant allele.
Comment: NOD2: BP4, BP7

Labcorp Genetics (formerly Invitae), Labcorp
Classification: Likely benign for Regional enteritis; Blau syndrome. Last evaluated: 2025-05-27. Review status: criteria provided, single submitter. Criteria: Invitae Variant Classification Sherloc (09022015). Collection method: clinical testing. Allele origin: germline.